The following is an entry in ClinVar:

ClinVar aggregate classification (germline): Uncertain significance (1 of 4 stars; one submission).

Conditions:
Specific granule deficiency. Identifiers: Orphanet 169142, MedGen C0398593, MONDO:0009506.

Allele frequency attached by ClinVar (database versions not stated): gnomAD exomes 0.00001.

Submission:

Labcorp Genetics (formerly Invitae), Labcorp
Classification: Uncertain significance for Specific granule deficiency. Last evaluated: 2019-04-12. Review status: criteria provided, single submitter. Criteria: Invitae Variant Classification Sherloc (09022015). Collection method: clinical testing. Allele origin: germline.
Comment: This sequence change affects codon 219 of the CEBPE mRNA. It is a 'silent' change, meaning that it does not change the encoded amino acid sequence of the CEBPE protein. This variant is not present in population databases (ExAC no frequency). This variant has not been reported in the literature in individuals with CEBPE-related conditions. Algorithms developed to predict the effect of sequence changes on RNA splicing suggest that this variant may create or strengthen a splice site, but this prediction has not been confirmed by published transcriptional studies. In summary, the available evidence is currently insufficient to determine the role of this variant in disease. Therefore, it has been classified as a Variant of Uncertain Significance.

NM_001805.4(CEBPE):c.657C>T (p.Arg219=)

Gene: CEBPE (CCAAT enhancer binding protein epsilon; minus strand). Cytogenetic location: 14q11.2.
Variant type: single nucleotide variant.
Coding change: c.657C>T on transcript NM_001805.4 (MANE Select); coding-DNA position 657, C replaced by T.
Protein change: p.Arg219=; no amino-acid change (arginine 219 retained).
Molecular consequence: synonymous variant.
Genome position (GRCh38, 1-based): chr14:23,117,676, G>A on the plus strand (C>T on the coding strand, the complement: CEBPE is on the minus strand). VCF-style: chr14-23117676-G-A. GRCh37 (hg19) VCF-style: chr14-23586885-G-A.
Identifiers: ClinVar variation 842523 (VCV000842523.1), dbSNP rs2048515613, ClinGen allele CA485759602.